The following is an entry in ClinVar:

ClinVar aggregate classification (germline): Uncertain significance. Review status: criteria provided, multiple submitters, no conflicts (2 of 4 stars). 2 submissions from 2 submitters: Uncertain significance (2). Last evaluated 2024-10-19.

Conditions:
Peroxisome biogenesis disorder 3A (Zellweger). Also called: Peroxisome biogenesis disorder 3A; PEROXISOMAL BIOGENESIS DISORDER 3A (ZELLWEGER). Identifiers: Orphanet 912, MedGen C3553929, MONDO:0013927, OMIM 614859.
Inborn genetic diseases. Identifiers: MedGen C0950123, MeSH D030342.

Allele frequency attached by ClinVar (database versions not stated): gnomAD exomes below 0.00001; gnomAD 0.00001; TOPMed 0.00001.

Submissions (2):

Ambry Genetics
Classification: Uncertain significance for Inborn genetic diseases. Last evaluated: 2024-10-19. Review status: criteria provided, single submitter. Criteria: Ambry Variant Classification Scheme 2023. Collection method: clinical testing. Allele origin: germline.

Labcorp Genetics (formerly Invitae), Labcorp
Classification: Uncertain significance for Peroxisome biogenesis disorder 3A (Zellweger). Last evaluated: 2022-05-01. Review status: criteria provided, single submitter. Criteria: Invitae Variant Classification Sherloc (09022015). Collection method: clinical testing. Allele origin: germline.
Comment: This sequence change replaces isoleucine, which is neutral and non-polar, with methionine, which is neutral and non-polar, at codon 145 of the PEX12 protein (p.Ile145Met). This variant is not present in population databases (gnomAD no frequency). This variant has not been reported in the literature in individuals affected with PEX12-related conditions. Algorithms developed to predict the effect of missense changes on protein structure and function are either unavailable or do not agree on the potential impact of this missense change (SIFT: "Tolerated"; PolyPhen-2: "Probably Damaging"; Align-GVGD: "Class C0"). In summary, the available evidence is currently insufficient to determine the role of this variant in disease. Therefore, it has been classified as a Variant of Uncertain Significance.

NM_000286.3(PEX12):c.435T>G (p.Ile145Met)

Gene: PEX12 (peroxisomal biogenesis factor 12; minus strand). Cytogenetic location: 17q12.
Variant type: single nucleotide variant.
Coding change: c.435T>G on transcript NM_000286.3 (MANE Select); coding-DNA position 435, T replaced by G.
Protein change: p.Ile145Met; replaces isoleucine 145 with methionine.
Molecular consequence: missense variant.
Genome position (GRCh38, 1-based): chr17:35,577,283, A>C on the plus strand (T>G on the coding strand, the complement: PEX12 is on the minus strand). VCF-style: chr17-35577283-A-C. GRCh37 (hg19) VCF-style: chr17-33904302-A-C.
Other names: c.435T>G (NM_000286.2); short protein forms I145M.
Identifiers: ClinVar variation 1467628 (VCV001467628.6), dbSNP rs956055423, ClinGen allele CA290069445.